The following is an entry in ClinVar:

NM_001370348.2(PHF3):c.962A>G (p.Asp321Gly)

Gene: PHF3 (PHD finger protein 3; plus strand). Cytogenetic location: 6q12.
Variant type: single nucleotide variant.
Coding change: c.962A>G on transcript NM_001370348.2 (MANE Select); coding-DNA position 962, A replaced by G.
Protein change: p.Asp321Gly; replaces aspartic acid 321 with glycine.
Molecular consequence: missense variant. On other transcripts: intron variant (1).
Genome position (GRCh38, 1-based): chr6:63,684,684, A>G. VCF-style: chr6-63684684-A-G. GRCh37 (hg19) VCF-style: chr6-64394585-A-G.
Other names: c.698A>G, p.Asp233Gly (NM_001290259.2, NM_001370349.2); c.962A>G, p.Asp321Gly (NM_001290260.2, NM_015153.4); c.-5+4523A>G (NM_001370350.2); short protein forms D233G, D321G.
Identifiers: ClinVar variation 2633475 (VCV002633475.3), dbSNP rs2533207562, ClinGen allele CA364365119.

ClinVar aggregate classification (germline): Uncertain significance (0 of 4 stars; one submission).

Conditions:
PHF3-related disorder. Also called: PHF3-related condition.

Submission:

PreventionGenetics, part of Exact Sciences
Classification: Uncertain significance for PHF3-related condition. Last evaluated: 2023-12-29. Review status: no assertion criteria provided. Collection method: clinical testing. Allele origin: germline.
Comment: The PHF3 c.962A>G variant is predicted to result in the amino acid substitution p.Asp321Gly. To our knowledge, this variant has not been reported in the literature or in a large population database, indicating this variant is rare. At this time, the clinical significance of this variant is uncertain due to the absence of conclusive functional and genetic evidence.